The following is an entry in ClinVar:

NM_001321142.2(CIDEC):c.97T>C (p.Ser33Pro)

Gene: CIDEC (cell death inducing DFFA like effector c; minus strand). Cytogenetic location: 3p25.3.
Variant type: single nucleotide variant.
Coding change: c.97T>C on transcript NM_001321142.2 (MANE Select); coding-DNA position 97, T replaced by C.
Protein change: p.Ser33Pro; replaces serine 33 with proline.
Molecular consequence: missense variant. On other transcripts: intron variant (2).
Genome position (GRCh38, 1-based): chr3:9,877,176, A>G on the plus strand (T>C on the coding strand, the complement: CIDEC is on the minus strand). VCF-style: chr3-9877176-A-G. GRCh37 (hg19) VCF-style: chr3-9918860-A-G.
Other names: p.Ser46Pro; c.136T>C (NM_001199623.1); c.97T>C, p.Ser33Pro (NM_001378491.1, NM_022094.3, NM_001199551.2 and 1 more transcripts); c.-16+1258T>C (NM_001321144.2, NM_001321143.2); c.136T>C, p.Ser46Pro (NM_001199623.2); short protein forms S33P, S46P.
Identifiers: ClinVar variation 3144991 (VCV003144991.2), dbSNP rs760803919, ClinGen allele CA2245723.

ClinVar aggregate classification (germline): Conflicting classifications of pathogenicity. Review status: criteria provided, conflicting classifications (1 of 4 stars). 2 submissions from 2 submitters: Uncertain significance (1); Likely benign (1). Last evaluated 2024-10-31.

Allele frequency attached by ClinVar (database versions not stated): gnomAD 0.00005; ExAC 0.00020; gnomAD exomes 0.00003; TOPMed 0.00008.
gnomAD v4.1: 58 of 1,551,040 alleles (0.0037%); highest among the groups gnomAD compares: Non-Finnish European, 0.00026%; no homozygotes.

Submissions (2):

Mayo Clinic Laboratories, Mayo Clinic
Classification: Likely benign. Last evaluated: 2024-10-31. Review status: criteria provided, single submitter. Criteria: ACMG Guidelines, 2015. Collection method: clinical testing. Allele origin: germline. Observed: 1 variant allele.
Comment: BP4, PM2_supporting

Ambry Genetics
Classification: Uncertain significance. Last evaluated: 2024-01-19. Review status: criteria provided, single submitter. Criteria: Ambry Variant Classification Scheme 2023. Collection method: clinical testing. Allele origin: germline.